The following is an entry in ClinVar:

NM_001148.6(ANK2):c.11093C>T (p.Ala3698Val)

Gene: ANK2 (ankyrin 2; plus strand). Cytogenetic location: 4q26.
Variant type: single nucleotide variant.
Coding change: c.11093C>T on transcript NM_001148.6 (MANE Select); coding-DNA position 11093, C replaced by T.
Protein change: p.Ala3698Val; replaces alanine 3698 with valine.
Molecular consequence: missense variant.
Genome position (GRCh38, 1-based): chr4:113,367,626, C>T. VCF-style: chr4-113367626-C-T. GRCh37 (hg19) VCF-style: chr4-114288782-C-T.
Other names: c.4811C>T, p.Ala1604Val (NM_001127493.3); c.4850C>T, p.Ala1617Val (NM_001354225.2); c.4739C>T, p.Ala1580Val (NM_001354228.2, NM_001354258.2); c.4817C>T, p.Ala1606Val (NM_001354230.2); c.4880C>T, p.Ala1627Val (NM_001354231.2, NM_001354242.2); c.4874C>T, p.Ala1625Val (NM_001354232.2); c.4835C>T, p.Ala1612Val (NM_001354235.2, NM_001354246.2, NM_001354265.2); c.4736C>T, p.Ala1579Val (NM_001354236.2); and 35 more; short protein forms A1452V, A1526V, A1551V, A1570V, A1580V, A1592V, A1596V, A1604V.
Identifiers: ClinVar variation 3539812 (VCV003539812.1).

ClinVar aggregate classification (germline): Uncertain significance (1 of 4 stars; one submission).

Conditions:
Cardiovascular phenotype. Identifiers: MedGen CN230736.

gnomAD v4.1: 1 of 1,613,690 alleles (0.000062%); highest among the groups gnomAD compares: Admixed American, 0.0017%; no homozygotes.

Submission:

Ambry Genetics
Classification: Uncertain significance for Cardiovascular phenotype. Last evaluated: 2024-10-15. Review status: criteria provided, single submitter. Criteria: Ambry Variant Classification Scheme 2023. Collection method: clinical testing. Allele origin: germline.
Comment: The p.A3698V variant (also known as c.11093C>T), located in coding exon 42 of the ANK2 gene, results from a C to T substitution at nucleotide position 11093. The alanine at codon 3698 is replaced by valine, an amino acid with similar properties. This amino acid position is conserved. In addition, this alteration is predicted to be tolerated by in silico analysis. Based on the available evidence, the clinical significance of this variant remains unclear.